The following is an entry in ClinVar:

NM_182961.4(SYNE1):c.15567del (p.Trp5189fs)

Gene: SYNE1 (spectrin repeat containing nuclear envelope protein 1; minus strand). Cytogenetic location: 6q25.2.
Variant type: Deletion.
Coding change: c.15567del on transcript NM_182961.4 (MANE Select); coding-DNA position 15567, one base deleted (G; older notation c.15567delG).
Protein change: p.Trp5189fs; shifts the reading frame from tryptophan 5189.
Molecular consequence: frameshift variant.
Genome position (GRCh38, 1-based): chr6:152,325,174, C deleted on the plus strand (G on the coding strand, the reverse complement: SYNE1 is on the minus strand); the first of 2 consecutive C bases (chr6:152,325,174-152,325,175); deleting either gives the same sequence. VCF-style (leftmost placement, unchanged base first): chr6-152325173-GC-G. GRCh37 (hg19) VCF-style: chr6-152646308-GC-G.
Other names: c.15354del, p.Trp5118fs (NM_033071.5); short protein forms W5118fs, W5189fs.
Identifiers: ClinVar variation 805556 (VCV000805556.1), dbSNP rs1590102028, ClinGen allele CA915944448.
Genomic context (GRCh38, chr6:152,325,173, plus strand): 5'-CTGCATCTTCCAGGATCTTCTCCTGGTCCTGGGCCACAGCTCGAAGGCGTGTCCAGCGCT[GC>G]CAGACGGTGGTCATTGACCTGCTCAGGGTGGCTTTGCTGGCATCATTTCCGGTTTTCTCC-3'

ClinVar aggregate classification (germline): Likely pathogenic (1 of 4 stars; one submission).

Submission:

Athena Diagnostics
Classification: Likely pathogenic. Last evaluated: 2019-05-08. Review status: criteria provided, single submitter. Criteria: Athena Diagnostics Criteria. Collection method: clinical testing. Allele origin: germline.
Comment: The variant results in a shift of the reading frame, and is therefore predicted to result in the loss of a functional protein. Not found in the total gnomAD dataset, and the data is high quality (0/282870 chr).